The following is an entry in ClinVar:

ClinVar aggregate classification (germline): Uncertain significance. Review status: criteria provided, multiple submitters, no conflicts (2 of 4 stars). 2 submissions from 2 submitters: Uncertain significance (2). Last evaluated 2023-09-14.

Conditions:
Facioscapulohumeral muscular dystrophy 2 (FSHD2). Also called: MUSCULAR DYSTROPHY, FACIOSCAPULOHUMERAL, TYPE 1B; FACIOSCAPULOHUMERAL MUSCULAR DYSTROPHY 2, DIGENIC; FSHD2, DIGENIC. Identifiers: Orphanet 269, MedGen C1834671, MONDO:0008031, OMIM 158901.
SMCHD1-related disorder. Also called: SMCHD1-related condition.

Allele frequency attached by ClinVar (database versions not stated): gnomAD 0.00001; gnomAD exomes 0.00001; TOPMed 0.00002; ESP Exome Variant Server 0.00008.
gnomAD v4.1: 38 of 1,553,926 alleles (0.0024%); highest among the groups gnomAD compares: Non-Finnish European, 0.003%; no homozygotes.

Submissions (2):

PreventionGenetics, part of Exact Sciences
Classification: Uncertain significance for SMCHD1-related condition. Last evaluated: 2023-09-14. Review status: criteria provided, single submitter. Criteria: ACMG Guidelines, 2015. Collection method: clinical testing. Allele origin: germline.
Comment: The SMCHD1 c.6011A>G variant is predicted to result in the amino acid substitution p.Asp2004Gly. To our knowledge, this variant has not been reported in the literature. This variant is reported in 0.0015% of alleles in individuals of European (Non-Finnish) descent in gnomAD. At this time, the clinical significance of this variant is uncertain due to the absence of conclusive functional and genetic evidence.

Labcorp Genetics (formerly Invitae), Labcorp
Classification: Uncertain significance for Facioscapulohumeral muscular dystrophy 2. Last evaluated: 2023-05-05. Review status: criteria provided, single submitter. Criteria: Invitae Variant Classification Sherloc (09022015). Collection method: clinical testing. Allele origin: germline.
Comment: Algorithms developed to predict the effect of missense changes on protein structure and function output the following: SIFT: "Not Available"; PolyPhen-2: "Benign"; Align-GVGD: "Not Available". The glycine amino acid residue is found in multiple mammalian species, which suggests that this missense change does not adversely affect protein function. In summary, the available evidence is currently insufficient to determine the role of this variant in disease. Therefore, it has been classified as a Variant of Uncertain Significance. ClinVar contains an entry for this variant (Variation ID: 1399062). This sequence change replaces aspartic acid, which is acidic and polar, with glycine, which is neutral and non-polar, at codon 2004 of the SMCHD1 protein (p.Asp2004Gly). The frequency data for this variant in the population databases is considered unreliable, as metrics indicate poor data quality at this position in the gnomAD database. This variant has not been reported in the literature in individuals affected with SMCHD1-related conditions.

NM_015295.3(SMCHD1):c.6011A>G (p.Asp2004Gly)

Gene: SMCHD1 (structural maintenance of chromosomes flexible hinge domain containing 1; plus strand). Cytogenetic location: 18p11.32.
Variant type: single nucleotide variant.
Coding change: c.6011A>G on transcript NM_015295.3 (MANE Select); coding-DNA position 6011, A replaced by G.
Protein change: p.Asp2004Gly; replaces aspartic acid 2004 with glycine.
Molecular consequence: missense variant.
Genome position (GRCh38, 1-based): chr18:2,802,545, A>G. VCF-style: chr18-2802545-A-G. GRCh37 (hg19) VCF-style: chr18-2802543-A-G.
Other names: c.6011A>G (NM_015295.2); short protein forms D2004G.
Identifiers: ClinVar variation 1399062 (VCV001399062.8), dbSNP rs374747323, ClinGen allele CA295492557.